The following is an entry in ClinVar:

ClinVar aggregate classification (germline): Conflicting classifications of pathogenicity. Review status: criteria provided, conflicting classifications (1 of 4 stars). 8 submissions from 8 submitters: Uncertain significance (5); Likely benign (1). 2 of the submissions do not count toward it. Last evaluated 2023-08-14.

Conditions:
Cardiomyopathy (CMYO). Also called: Cardiomyopathies. Identifiers: Orphanet 167848, MedGen C0878544, MONDO:0004994, HP:0001638. Inheritance: Various modes of inheritance.
Cardiovascular phenotype. Identifiers: MedGen CN230736.
Autosomal recessive limb-girdle muscular dystrophy type 2J (LGMDR10). Also called: MUSCULAR DYSTROPHY, LIMB-GIRDLE, AUTOSOMAL RECESSIVE 10; Limb-girdle muscular dystrophy, type 2J. Identifiers: Orphanet 140922, MedGen C1837342, MONDO:0012127, OMIM 608807.
Dilated cardiomyopathy 1G (CMD1G). Identifiers: Orphanet 154, MedGen C1858763, MONDO:0011400, OMIM 604145.

Allele frequency attached by ClinVar (database versions not stated): TOPMed 0.00005; ExAC 0.00007; ESP Exome Variant Server 0.00008; gnomAD 0.00011.
gnomAD v4.1: 185 of 1,613,698 alleles (0.011%); highest among the groups gnomAD compares: East Asian, 0.016%; no homozygotes.

Submissions (8):

Revvity Omics, Revvity
Classification: Uncertain significance. Last evaluated: 2023-08-14. Review status: criteria provided, single submitter. Criteria: ACMG Guidelines, 2015. Collection method: clinical testing. Allele origin: germline.

CHEO Genetics Diagnostic Laboratory, Children's Hospital of Eastern Ontario
Classification: Uncertain significance for Cardiomyopathy. Last evaluated: 2021-09-01. Review status: criteria provided, single submitter. Criteria: ACMG Guidelines, 2015. Collection method: clinical testing. Allele origin: germline.

GeneDx
Classification: Likely benign. Last evaluated: 2021-01-13. Review status: criteria provided, single submitter. Criteria: GeneDx Variant Classification Process June 2021. Collection method: clinical testing. Allele origin: germline. Affected: yes.
Comment: This variant is associated with the following publications: (PMID: 32880476)

Ambry Genetics
Classification: Uncertain significance for Cardiovascular phenotype. Last evaluated: 2019-10-15. Review status: criteria provided, single submitter. Criteria: Ambry Variant Classification Scheme 2023. Collection method: clinical testing. Allele origin: germline.
Comment: The p.R22007C variant (also known as c.66019C>T), located in coding exon 166 of the TTN gene, results from a C to T substitution at nucleotide position 66019. The arginine at codon 22007 is replaced by cysteine, an amino acid with highly dissimilar properties. This amino acid position is highly conserved in available vertebrate species. In addition, this alteration is predicted to be tolerated by in silico analysis. Since supporting evidence is limited at this time, the clinical significance of this alteration remains unclear.

Eurofins Ntd Llc (ga)
Classification: Uncertain significance. Last evaluated: 2018-07-18. Review status: criteria provided, single submitter. Criteria: EGL ClinVar v180209 classification definitions. Collection method: clinical testing. Allele origin: germline. Observed: 1 variant allele, 1 heterozygote.

Labcorp Genetics (formerly Invitae), Labcorp
Classification: Uncertain significance for Dilated cardiomyopathy 1G; Autosomal recessive limb-girdle muscular dystrophy type 2J. Last evaluated: 2017-09-06. Review status: criteria provided, single submitter. Criteria: Invitae Variant Classification Sherloc (09022015). Collection method: clinical testing. Allele origin: germline.

Clinical Genetics, Academic Medical Center
Classification: Uncertain significance. Review status: no assertion criteria provided. Collection method: clinical testing. Allele origin: germline. Affected: yes. Study: VKGL Data-share Consensus. Not counted in ClinVar's aggregate classification.

Joint Genome Diagnostic Labs from Nijmegen and Maastricht, Radboudumc and MUMC+
Classification: Uncertain significance. Review status: no assertion criteria provided. Collection method: clinical testing. Allele origin: germline. Affected: yes. Study: VKGL Data-share Consensus. Not counted in ClinVar's aggregate classification.

NM_001267550.2(TTN):c.93214C>T (p.Arg31072Cys)

Genes: TTN-AS1 (TTN antisense RNA 1; plus strand), TTN (titin; minus strand). Cytogenetic location: 2q31.2.
Variant type: single nucleotide variant.
Coding change: c.93214C>T on transcript NM_001267550.2 (MANE Select); coding-DNA position 93214, C replaced by T.
Protein change: p.Arg31072Cys; replaces arginine 31072 with cysteine.
Molecular consequence: missense variant.
Genome position (GRCh38, 1-based): chr2:178,548,412, G>A on the plus strand (C>T on the coding strand, the complement: TTN is on the minus strand). VCF-style: chr2-178548412-G-A. GRCh37 (hg19) VCF-style: chr2-179413139-G-A.
Other names: c.88291C>T, p.Arg29431Cys (NM_001256850.1); c.66019C>T, p.Arg22007Cys (NM_003319.4); c.85510C>T, p.Arg28504Cys (NM_133378.4); c.66394C>T, p.Arg22132Cys (NM_133432.3); c.66595C>T, p.Arg22199Cys (NM_133437.4); short protein forms R29431C, R31072C, R28504C, R22007C, R22132C, R22199C.
Identifiers: ClinVar variation 515650 (VCV000515650.20), dbSNP rs368932767, ClinGen allele CA1987338.